The following is an entry in ClinVar:

NM_000348.4(SRD5A2):c.41G>A (p.Ser14Asn)

Gene: SRD5A2 (steroid 5 alpha-reductase 2; minus strand). Cytogenetic location: 2p23.1.
Variant type: single nucleotide variant.
Coding change: c.41G>A on transcript NM_000348.4 (MANE Select); coding-DNA position 41, G replaced by A.
Protein change: p.Ser14Asn; replaces serine 14 with asparagine.
Molecular consequence: missense variant.
Genome position (GRCh38, 1-based): chr2:31,580,860, C>T on the plus strand (G>A on the coding strand, the complement: SRD5A2 is on the minus strand). VCF-style: chr2-31580860-C-T. GRCh37 (hg19) VCF-style: chr2-31805929-C-T.
Other names: short protein forms S14N.
Identifiers: ClinVar variation 3731406 (VCV003731406.1).
Genomic context (GRCh38, chr2:31,580,860, plus strand): 5'-CCGTAGCCGGAGGGCTTCGCGACGTACAAGGCCAGTGCCCCAAGGGCGACCAAAGTGGCG[C>T]TGCCTGCCAGCACTGGGCTCTGCTGGCACTGAACCTGCATCGCGCCGTGTTCCTCGCCGG-3'
Protein context (NP_000339.2, residues 4-24): QCQQSPVLAG[Ser14Asn]ATLVALGALA

ClinVar aggregate classification (germline): Uncertain significance (1 of 4 stars; one submission).

Conditions:
3-Oxo-5 alpha-steroid delta 4-dehydrogenase deficiency (PPSH). Also called: FAMILIAL INCOMPLETE MALE PSEUDOHERMAPHRODITISM, TYPE 2; MALE PSEUDOHERMAPHRODITISM DUE TO 5-ALPHA-REDUCTASE DEFICIENCY; PSEUDOVAGINAL PERINEOSCROTAL HYPOSPADIAS; 46,XY disorder of sex development due to 5-alpha-reductase 2 deficiency. Identifiers: Orphanet 753, MedGen C0268297, MONDO:0009923, OMIM 264600. Disease mechanism: loss of function.

Submission:

Neuberg Centre For Genomic Medicine, NCGM
Classification: Uncertain significance for 3-Oxo-5 alpha-steroid delta 4-dehydrogenase deficiency. Last evaluated: 2023-06-22. Review status: criteria provided, single submitter. Criteria: ACMG Guidelines, 2015. Collection method: clinical testing. Allele origin: germline. Inheritance: Autosomal recessive inheritance. Affected: yes.
Comment: The observed missense c.41G>A(p.Ser14Asn) variant in SRD5A2 gene has not been reported previously as a pathogenic variant nor as a benign variant, to our knowledge. This variant is absent in gnomAD Exomes. The amino acid Ser at position 14 is changed to a Asn changing protein sequence and it might alter its composition and physico-chemical properties. The amino acid change p.Ser14Asn in SRD5A2 is predicted as conserved by GERP++ and PhyloP across 100 vertebrates. Computational evidence (Polyphen - Not available, SIFT - Damaging, and MutationTaster - Not available) predict a damaging effect on protein structure and function for this variant. For these reasons, this variant has been classified as Uncertain Significance.